The following is an entry in ClinVar:

NM_000548.5(TSC2):c.1662G>A (p.Ser554=)

Gene: TSC2 (TSC complex subunit 2; plus strand). Cytogenetic location: 16p13.3.
Variant type: single nucleotide variant.
Coding change: c.1662G>A on transcript NM_000548.5 (MANE Select); coding-DNA position 1662, G replaced by A.
Protein change: p.Ser554=; no amino-acid change (serine 554 retained).
Molecular consequence: synonymous variant.
Genome position (GRCh38, 1-based): chr16:2,065,581, G>A. VCF-style: chr16-2065581-G-A. GRCh37 (hg19) VCF-style: chr16-2115582-G-A.
Other names: c.1662G>A, p.Ser554= (NM_001077183.3, NM_001114382.3, NM_001363528.2 and 3 more transcripts); c.1551G>A, p.Ser517= (NM_001318827.2); c.1515G>A, p.Ser505= (NM_001318829.2); c.1062G>A, p.Ser354= (NM_001318831.2); c.1695G>A, p.Ser565= (NM_001318832.2).
Identifiers: ClinVar variation 486623 (VCV000486623.23), dbSNP rs775617895, ClinGen allele CA032107.
Genomic context (GRCh38, chr16:2,065,581, plus strand): 5'-GATGGCCCGCTCCCTCTCCCCACCCCCGGAGCTGGAAGAAAGGGATGTGGCCGCATACTC[G>A]GCCTCCTTGGAGGATGTGAAGACAGCCGTCCTGGGGCTTCTGGTCATCCTTCAGGTGGGT-3'
Protein context (NP_000539.2, residues 544-564): ELEERDVAAY[Ser554=]ASLEDVKTAV

ClinVar aggregate classification (germline): Benign/Likely benign. Review status: criteria provided, multiple submitters, no conflicts (2 of 4 stars). 7 submissions from 7 submitters: Benign (3); Likely benign (4). Last evaluated 2026-01-15.

Conditions:
Tuberous sclerosis 2 (TSC2). Identifiers: Orphanet 805, MedGen C1860707, MONDO:0013199, OMIM 613254.
Lymphangiomyomatosis (LAM). Also called: Lymphangioleiomyomatosis, somatic; Lymphangioleiomyomatosis. Identifiers: Orphanet 538, MedGen C0751674, MONDO:0011705, OMIM 606690.
Isolated focal cortical dysplasia type II (FCORD2). Also called: CORTICAL DYSPLASIA OF TAYLOR; Focal cortical dysplasia type II. Identifiers: Orphanet 268994, MedGen C1846385, MONDO:0011818, OMIM 607341, HP:0032051.
Hereditary cancer-predisposing syndrome. Also called: Tumor predisposition; Neoplastic Syndromes, Hereditary; Hereditary Cancer Syndrome; Hereditary neoplastic syndrome. Identifiers: Orphanet 140162, MedGen C0027672, MeSH D009386, MONDO:0015356.
Tuberous sclerosis syndrome (TSC). Also called: Tuberous Sclerosis Complex; Tuberous sclerosis. Identifiers: Orphanet 805, MedGen C0041341, MONDO:0001734.

Allele frequency attached by ClinVar (database versions not stated): gnomAD 0.00001; ExAC 0.00002; gnomAD exomes 0.00003; TOPMed 0.00003.
gnomAD v4.1: 21 of 1,613,686 alleles (0.0013%); highest among the groups gnomAD compares: Admixed American, 0.0067%; no homozygotes.

Submissions (7):

Labcorp Genetics (formerly Invitae), Labcorp
Classification: Benign for Tuberous sclerosis 2. Last evaluated: 2026-01-15. Review status: criteria provided, single submitter. Criteria: Invitae Variant Classification Sherloc (09022015). Collection method: clinical testing. Allele origin: germline.

Myriad Genetics, Inc.
Classification: Benign for Tuberous sclerosis 2. Last evaluated: 2025-05-15. Review status: criteria provided, single submitter. Criteria: Myriad Autosomal Dominant, Autosomal Recessive and X-Linked Classification Criteria (2023). Collection method: clinical testing. Allele origin: unknown.
Comment: This variant is considered benign. This variant is a silent/synonymous amino acid change and it is not expected to impact splicing.

All of Us Research Program, National Institutes of Health
Classification: Likely benign for Tuberous sclerosis syndrome. Last evaluated: 2024-08-06. Review status: criteria provided, single submitter. Criteria: ACMG Guidelines, 2015. Collection method: clinical testing. Allele origin: germline. Inheritance: Autosomal dominant inheritance. Observed: 3 variant alleles, 3 heterozygotes.
Comment: This study involves interpretation of variants in research participants for the purpose of population health screening. Participant phenotype was not available at the time of variant classification. Additional details can be found in publication PMID: 35346344, PMCID: PMC8962531

Color Diagnostics, LLC DBA Color Health
Classification: Likely benign for Tuberous sclerosis syndrome. Last evaluated: 2022-09-21. Review status: criteria provided, single submitter. Criteria: ACMG Guidelines, 2015. Collection method: clinical testing. Allele origin: germline.

Fulgent Genetics
Classification: Likely benign for Lymphangiomyomatosis; Isolated focal cortical dysplasia type II; Tuberous sclerosis 2. Last evaluated: 2022-01-08. Review status: criteria provided, single submitter. Criteria: ACMG Guidelines, 2015. Collection method: clinical testing. Allele origin: unknown.

Genome-Nilou Lab
Classification: Benign for Tuberous sclerosis 2. Last evaluated: 2021-11-07. Review status: criteria provided, single submitter. Criteria: ACMG Guidelines, 2015. Collection method: clinical testing. Allele origin: germline. Affected: no.

Ambry Genetics
Classification: Likely benign for Hereditary cancer-predisposing syndrome. Last evaluated: 2015-06-22. Review status: criteria provided, single submitter. Criteria: Ambry Variant Classification Scheme 2023. Collection method: clinical testing. Allele origin: germline.